The following is an entry in ClinVar:

NM_006332.5(IFI30):c.52del (p.Asp18fs)

Gene: IFI30 (IFI30 lysosomal thiol reductase; plus strand). Cytogenetic location: 19p13.11.
Variant type: Deletion.
Coding change: c.52del on transcript NM_006332.5 (MANE Select); coding-DNA position 52, one base deleted (G; older notation c.52delG).
Protein change: p.Asp18fs; shifts the reading frame from aspartic acid 18.
Molecular consequence: frameshift variant.
Genome position (GRCh38, 1-based): chr19:18,173,893, G deleted; the last of 2 consecutive G bases (chr19:18,173,892-18,173,893); deleting either gives the same sequence. VCF-style (leftmost placement, unchanged base first): chr19-18173891-TG-T. GRCh37 (hg19) VCF-style: chr19-18284701-TG-T.
Other names: short protein forms D18fs.
Identifiers: ClinVar variation 2649573 (VCV002649573.24), dbSNP rs764788458, ClinGen allele CA9307289.

ClinVar aggregate classification (germline): Likely benign (1 of 4 stars; one submission).

Submission:

CeGaT Center for Human Genetics Tuebingen
Classification: Likely benign. Last evaluated: 2023-03-01. Review status: criteria provided, single submitter. Criteria: CeGaT Center For Human Genetics Tuebingen Variant Classification Criteria Version 2. Collection method: clinical testing. Allele origin: germline. Affected: yes. Observed: 1 variant allele.
Comment: IFI30: BS2